The following is an entry in ClinVar:

NM_000466.3(PEX1):c.358-2A>C

Gene: PEX1 (peroxisomal biogenesis factor 1; minus strand). Cytogenetic location: 7q21.2.
Variant type: single nucleotide variant.
Coding change: c.358-2A>C on transcript NM_000466.3 (MANE Select); the canonical splice acceptor site of the intron before coding-DNA position 358, A replaced by C.
Molecular consequence: splice acceptor variant.
Genome position (GRCh38, 1-based): chr7:92,518,257, T>G on the plus strand (A>C on the coding strand, the complement: PEX1 is on the minus strand). VCF-style: chr7-92518257-T-G. GRCh37 (hg19) VCF-style: chr7-92147571-T-G.
Other names: c.358-2A>C (NM_001282677.2); c.-267-2A>C (NM_001282678.2).
Identifiers: ClinVar variation 554482 (VCV000554482.12), dbSNP rs1057517500, ClinGen allele CA368202694.
Genomic context (GRCh38, chr7:92,518,257, plus strand): 5'-GGAAAAACTATTCGAATTTGATCTAGAAGATGTTGTTCAAGGGAAACAGCATGCAGCTCC[T>G]AGAACCAACAGACGAAAAGATCAATTCACTTTACATTTTGTCCACTCCATATCTAGTTAA-3'

ClinVar aggregate classification (germline): Pathogenic/Likely pathogenic. Review status: criteria provided, multiple submitters, no conflicts (2 of 4 stars). 5 submissions from 5 submitters: Pathogenic (1); Likely pathogenic (3). 1 of the submissions does not count toward it. Last evaluated 2024-03-12.

Conditions:
Peroxisome biogenesis disorder 1B (PBD1B). Also called: PEROXISOME BIOGENESIS DISORDER (NALD/IRD); ADRENOLEUKODYSTROPHY, AUTOSOMAL NEONATAL; Refsum disease, infantile form; Infantile Refsum disease; Infantile form of phytanic acid storage disease; PEROXISOME BIOGENESIS DISORDER (NEONATAL ADRENOLEUKODYSTROPHY/INFANTILE REFSUM DISEASE). Identifiers: Orphanet 44, MedGen C0282527, MONDO:0011101, OMIM 601539.
Peroxisome biogenesis disorder 1A (Zellweger) (PBD1A). Also called: Peroxisome biogenesis disorder 1a; Zellweger leukodystrophy. Identifiers: MedGen C4721541, MONDO:0008953, OMIM 214100.
Heimler syndrome 1 (HMLR1). Also called: PEROXISOME BIOGENESIS DISORDER 1C. Identifiers: Orphanet 3220, MedGen C4551980, OMIM 234580, MONDO:0024544.
Zellweger spectrum disorders (ZS). Also called: Zellweger Spectrum Disorder (ZSD); Zellweger Spectrum Disorder; Zellweger Spectrum; Zellweger syndrome. Identifiers: Orphanet 912, MedGen C0043459, MONDO:0019609.

gnomAD v4.1: 2 of 1,559,592 alleles (0.00013%); highest among the groups gnomAD compares: South Asian, 0.0022%; no homozygotes.

Submissions (5):

Baylor Genetics
Classification: Likely pathogenic for Heimler syndrome 1. Last evaluated: 2024-03-12. Review status: criteria provided, single submitter. Criteria: ACMG Guidelines, 2015. Collection method: clinical testing. Allele origin: unknown.

Labcorp Genetics (formerly Invitae), Labcorp
Classification: Likely pathogenic for Zellweger spectrum disorders. Last evaluated: 2023-03-26. Review status: criteria provided, single submitter. Criteria: Invitae Variant Classification Sherloc (09022015). Collection method: clinical testing. Allele origin: germline.
Comment: This sequence change affects an acceptor splice site in intron 3 of the PEX1 gene. It is expected to disrupt RNA splicing. Variants that disrupt the donor or acceptor splice site typically lead to a loss of protein function (PMID: 16199547), and loss-of-function variants in PEX1 are known to be pathogenic (PMID: 9398847, 16086329, 16141001, 21031596, 26387595, 31831025). In summary, the currently available evidence indicates that the variant is pathogenic, but additional data are needed to prove that conclusively. Therefore, this variant has been classified as Likely Pathogenic. Algorithms developed to predict the effect of sequence changes on RNA splicing suggest that this variant may disrupt the consensus splice site. ClinVar contains an entry for this variant (Variation ID: 554482). This variant has not been reported in the literature in individuals affected with PEX1-related conditions. This variant is not present in population databases (gnomAD no frequency).

Fulgent Genetics
Classification: Likely pathogenic for Peroxisome biogenesis disorder 1A (Zellweger); Heimler syndrome 1; Peroxisome biogenesis disorder 1B. Last evaluated: 2022-03-24. Review status: criteria provided, single submitter. Criteria: ACMG Guidelines, 2015. Collection method: clinical testing. Allele origin: unknown.

Genetics and Genomic Medicine Centre, NeuroGen Healthcare, NeuroGen Healthcare
Classification: Pathogenic for Heimler syndrome 1. Last evaluated: 2021-03-06. Review status: criteria provided, single submitter. Criteria: Submitter's publication. Collection method: clinical testing. Allele origin: unknown. Affected: no.

Counsyl
Classification: Likely pathogenic for Peroxisome biogenesis disorder 1A (Zellweger). Last evaluated: 2017-10-19. Review status: no assertion criteria provided. Collection method: clinical testing. Allele origin: unknown. Not counted in ClinVar's aggregate classification.

Literature cited by the submitters: PubMed 16199547 (cited by Labcorp Genetics (formerly Invitae), Labcorp); PubMed 9398847 (cited by Labcorp Genetics (formerly Invitae), Labcorp); PubMed 16086329 (cited by Labcorp Genetics (formerly Invitae), Labcorp); PubMed 16141001 (cited by Labcorp Genetics (formerly Invitae), Labcorp); PubMed 21031596 (cited by Labcorp Genetics (formerly Invitae), Labcorp); PubMed 26387595 (cited by Labcorp Genetics (formerly Invitae), Labcorp); PubMed 31831025 (cited by Labcorp Genetics (formerly Invitae), Labcorp).